The following is an entry in ClinVar:

ClinVar aggregate classification (germline): Uncertain significance (1 of 4 stars; one submission).

Conditions:
Catecholaminergic polymorphic ventricular tachycardia 1. Also called: VENTRICULAR TACHYCARDIA, STRESS-INDUCED POLYMORPHIC 1; VENTRICULAR TACHYCARDIA, CATECHOLAMINERGIC POLYMORPHIC, 1, WITH OR WITHOUT ATRIAL DYSFUNCTION AND/OR DILATED CARDIOMYOPATHY; RYR2-Related Catecholaminergic Polymorphic Ventricular Tachycardia. Identifiers: Orphanet 3286, MedGen C1631597, MONDO:0011484, OMIM 604772.

Allele frequency attached by ClinVar (database versions not stated): gnomAD exomes below 0.00001.
gnomAD v4.1: 3 of 1,557,328 alleles (0.00019%); highest among the groups gnomAD compares: East Asian, 0.0046%; no homozygotes.

Submission:

Labcorp Genetics (formerly Invitae), Labcorp
Classification: Uncertain significance for Catecholaminergic polymorphic ventricular tachycardia 1. Last evaluated: 2021-08-07. Review status: criteria provided, single submitter. Criteria: Invitae Variant Classification Sherloc (09022015). Collection method: clinical testing. Allele origin: germline.
Comment: This sequence change falls in intron 40 of the TRDN gene. It does not directly change the encoded amino acid sequence of the TRDN protein. It affects a nucleotide within the consensus splice site of the intron. This variant is not present in population databases (ExAC no frequency). This variant has not been reported in the literature in individuals affected with TRDN-related conditions. Variants that disrupt the consensus splice site are a relatively common cause of aberrant splicing (PMID: 17576681, 9536098). Algorithms developed to predict the effect of sequence changes on RNA splicing suggest that this variant may disrupt the consensus splice site. In summary, the available evidence is currently insufficient to determine the role of this variant in disease. Therefore, it has been classified as a Variant of Uncertain Significance.

Literature cited by the submitters: PubMed 17576681; PubMed 9536098.

NM_006073.4(TRDN):c.2050+1G>A

Gene: TRDN (triadin; minus strand). Cytogenetic location: 6q22.31.
Variant type: single nucleotide variant.
Coding change: c.2050+1G>A on transcript NM_006073.4 (MANE Select); the canonical splice donor site of the intron after coding-DNA position 2050, G replaced by A.
Molecular consequence: splice donor variant.
Genome position (GRCh38, 1-based): chr6:123,221,486, C>T on the plus strand (G>A on the coding strand, the complement: TRDN is on the minus strand). VCF-style: chr6-123221486-C-T. GRCh37 (hg19) VCF-style: chr6-123542631-C-T.
Identifiers: ClinVar variation 1525119 (VCV001525119.7), dbSNP rs1295530677, ClinGen allele CA365565223.
Genomic context (GRCh38, chr6:123,221,486, plus strand): 5'-CATAGATGTAGCATCTTTAATACAGAATGATTTATTACTTTTAATCTCATTATAAACTTA[C>T]TTTTCTGCTTTGTGGGAGACACATCTTCAGTTCCTTCTAGTGGATAAAAAATATAAAAGT-3'